The following is an entry in ClinVar:

ClinVar aggregate classification (germline): Uncertain significance (1 of 4 stars; one submission).

Conditions:
CK syndrome. Also called: MENTAL RETARDATION, X-LINKED, WITH THIN BODY HABITUS AND CORTICAL MALFORMATION. Identifiers: Orphanet 251383, MedGen C3151781, MONDO:0010441, OMIM 300831.

Allele frequency attached by ClinVar (database versions not stated): TOPMed below 0.00001; gnomAD 0.00001.
gnomAD v4.1: 6 of 1,209,796 alleles (0.0005%); highest among the groups gnomAD compares: Non-Finnish European, 0.00067%; no homozygotes.

Submission:

Institute of Immunology and Genetics Kaiserslautern
Classification: Uncertain significance for CK syndrome. Last evaluated: 2024-01-19. Review status: criteria provided, single submitter. Criteria: ACMG Guidelines, 2015. Collection method: clinical testing. Allele origin: maternal. Affected: yes.
Comment: ACMG Criteria : PM2, PP2, PP3

NM_015922.3(NSDHL):c.1010A>G (p.Tyr337Cys)

Gene: NSDHL (NAD(P) dependent 3-beta-hydroxysteroid dehydrogenase NSDHL; plus strand). Cytogenetic location: Xq28.
Variant type: single nucleotide variant.
Coding change: c.1010A>G on transcript NM_015922.3 (MANE Select); coding-DNA position 1010, A replaced by G.
Protein change: p.Tyr337Cys; replaces tyrosine 337 with cysteine.
Molecular consequence: missense variant.
Genome position (GRCh38, 1-based): chrX:152,869,004, A>G. VCF-style: chrX-152869004-A-G. GRCh37 (hg19) VCF-style: chrX-152037548-A-G.
Other names: c.1010A>G, p.Tyr337Cys (NM_001129765.2); short protein forms Y337C.
Identifiers: ClinVar variation 2687770 (VCV002687770.1), dbSNP rs1569475560, ClinGen allele CA415287495.
Genomic context (GRCh38, chrX:152,869,004, plus strand): 5'-TCATCCAGCTGCAGCCCACCTTCACACCCATGCGGGTCGCACTGGCTGGCACATTCCACT[A>G]CTACAGCTGCGAGAGAGCCAAAAAGGCCATGGGCTACCAGCCACTAGTGACCATGGATGA-3'
Protein context (NP_057006.1, residues 327-347): MRVALAGTFH[Tyr337Cys]YSCERAKKAM